The following is an entry in ClinVar:

NM_000257.4(MYH7):c.4500G>A (p.Arg1500=)

Genes: MHRT (myosin heavy chain associated RNA transcript; plus strand), MYH7 (myosin heavy chain 7; minus strand). Cytogenetic location: 14q11.2.
Variant type: single nucleotide variant.
Coding change: c.4500G>A on transcript NM_000257.4 (MANE Select); coding-DNA position 4500, G replaced by A.
Protein change: p.Arg1500=; no amino-acid change (arginine 1500 retained).
Molecular consequence: synonymous variant.
Genome position (GRCh38, 1-based): chr14:23,417,172, C>T on the plus strand (G>A on the coding strand, the complement: MYH7 is on the minus strand). VCF-style: chr14-23417172-C-T. GRCh37 (hg19) VCF-style: chr14-23886381-C-T.
Identifiers: ClinVar variation 525101 (VCV000525101.16), dbSNP rs199995198, ClinGen allele CA042453.
Genomic context (GRCh38, chr14:23,417,172, plus strand): 5'-CCAGTGCAGCCCCTCCCCAGCCTCTTGGGCCCCCAGCACACCCTGCAGGTTTTTGTTCTC[C>T]CGCTTGAAGGTCTCCAGATGTTCCAGGGACTCCTCATAGGCGTTCTTGAGTTTGAAGAGC-3'
Protein context (NP_000248.2, residues 1490-1510): ESLEHLETFK[Arg1500=]ENKNLQEEIS

ClinVar aggregate classification (germline): Benign/Likely benign. Review status: criteria provided, multiple submitters, no conflicts (2 of 4 stars). 5 submissions from 5 submitters: Benign (2); Likely benign (3). Last evaluated 2025-11-23.

Conditions:
Cardiovascular phenotype. Identifiers: MedGen CN230736.
Cardiomyopathy (CMYO). Also called: Cardiomyopathies. Identifiers: Orphanet 167848, MedGen C0878544, MONDO:0004994, HP:0001638. Inheritance: Various modes of inheritance.
Hypertrophic cardiomyopathy. Also called: HYPERTROPHIC MYOCARDIOPATHY. Identifiers: Orphanet 217569, MedGen C0007194, MeSH D002312, MONDO:0005045, HP:0001639.

Allele frequency attached by ClinVar (database versions not stated): gnomAD exomes 0.00001 and 0.00004; gnomAD 0.00002; TOPMed 0.00002; ExAC 0.00004.
gnomAD v4.1: 13 of 1,614,026 alleles (0.00081%); highest among the groups gnomAD compares: East Asian, 0.022%; no homozygotes.

Submissions (5):

Labcorp Genetics (formerly Invitae), Labcorp
Classification: Likely benign for Hypertrophic cardiomyopathy. Last evaluated: 2025-11-23. Review status: criteria provided, single submitter. Criteria: Invitae Variant Classification Sherloc (09022015). Collection method: clinical testing. Allele origin: germline.

All of Us Research Program, National Institutes of Health
Classification: Benign for Cardiomyopathy. Last evaluated: 2023-11-20. Review status: criteria provided, single submitter. Criteria: ACMG Guidelines, 2015. Collection method: clinical testing. Allele origin: germline. Inheritance: Autosomal dominant inheritance. Observed: 2 variant alleles, 2 heterozygotes.
Comment: This study involves interpretation of variants in research participants for the purpose of population health screening. Participant phenotype was not available at the time of variant classification. Additional details can be found in publication PMID: 35346344, PMCID: PMC8962531

Blueprint Genetics
Classification: Likely benign. Last evaluated: 2022-10-17. Review status: criteria provided, single submitter. Criteria: ACMG Guidelines, 2015. Collection method: clinical testing. Allele origin: germline.

Color Diagnostics, LLC DBA Color Health
Classification: Benign for Cardiomyopathy. Last evaluated: 2020-02-04. Review status: criteria provided, single submitter. Criteria: ACMG Guidelines, 2015. Collection method: clinical testing. Allele origin: germline.

Ambry Genetics
Classification: Likely benign for Cardiovascular phenotype. Last evaluated: 2019-10-25. Review status: criteria provided, single submitter. Criteria: Ambry Variant Classification Scheme 2023. Collection method: clinical testing. Allele origin: germline.